The following is an entry in ClinVar:

NM_000426.4(LAMA2):c.7198G>A (p.Val2400Ile)

Gene: LAMA2 (laminin subunit alpha 2; plus strand). Cytogenetic location: 6q22.33.
Variant type: single nucleotide variant.
Coding change: c.7198G>A on transcript NM_000426.4 (MANE Select); coding-DNA position 7198, G replaced by A.
Protein change: p.Val2400Ile; replaces valine 2400 with isoleucine.
Molecular consequence: missense variant.
Genome position (GRCh38, 1-based): chr6:129,465,187, G>A. VCF-style: chr6-129465187-G-A. GRCh37 (hg19) VCF-style: chr6-129786332-G-A.
Other names: c.7198G>A, p.Val2400Ile (NM_001079823.2); short protein forms V2400I.
Identifiers: ClinVar variation 1980729 (VCV001980729.1), dbSNP rs966335278, ClinGen allele CA146892066.

ClinVar aggregate classification (germline): Uncertain significance (1 of 4 stars; one submission).

Conditions:
LAMA2-related muscular dystrophy (LAMA2-RD). Also called: Laminin alpha 2-related dystrophy. Identifiers: MedGen C5679788, MONDO:0100228.

Allele frequency attached by ClinVar (database versions not stated): gnomAD exomes below 0.00001; gnomAD 0.00001; TOPMed 0.00002.
gnomAD v4.1: 3 of 1,611,178 alleles (0.00019%); highest among the groups gnomAD compares: African/African-American, 0.004%; no homozygotes.

Submission:

Labcorp Genetics (formerly Invitae), Labcorp
Classification: Uncertain significance for LAMA2-related muscular dystrophy. Last evaluated: 2022-07-18. Review status: criteria provided, single submitter. Criteria: Invitae Variant Classification Sherloc (09022015). Collection method: clinical testing. Allele origin: germline.
Comment: This sequence change replaces valine, which is neutral and non-polar, with isoleucine, which is neutral and non-polar, at codon 2400 of the LAMA2 protein (p.Val2400Ile). This variant is present in population databases (no rsID available, gnomAD 0.01%). This variant has not been reported in the literature in individuals affected with LAMA2-related conditions. Advanced modeling of protein sequence and biophysical properties (such as structural, functional, and spatial information, amino acid conservation, physicochemical variation, residue mobility, and thermodynamic stability) performed at Invitae indicates that this missense variant is not expected to disrupt LAMA2 protein function. In summary, the available evidence is currently insufficient to determine the role of this variant in disease. Therefore, it has been classified as a Variant of Uncertain Significance.